The following is an entry in ClinVar:

ClinVar aggregate classification (germline): Conflicting classifications of pathogenicity. Review status: criteria provided, conflicting classifications (1 of 4 stars). 4 submissions from 4 submitters: Uncertain significance (3); Likely benign (1). Last evaluated 2025-08-08.

Conditions:
Hereditary cancer-predisposing syndrome. Also called: Hereditary neoplastic syndrome; Tumor predisposition; Neoplastic Syndromes, Hereditary; Hereditary Cancer Syndrome. Identifiers: Orphanet 140162, MedGen C0027672, MeSH D009386, MONDO:0015356.
Familial cancer of breast. Also called: Hereditary breast cancer; BREAST CANCER, FAMILIAL; hereditary breast carcinoma. Identifiers: Orphanet 227535, MedGen C0346153, MONDO:0016419, OMIM 114480. Disease mechanism: loss of function.

Allele frequency attached by ClinVar (database versions not stated): TOPMed below 0.00001.

Submissions (4):

Color Diagnostics, LLC DBA Color Health
Classification: Uncertain significance for Hereditary cancer-predisposing syndrome. Last evaluated: 2025-08-08. Review status: criteria provided, single submitter. Criteria: ACMG Guidelines, 2015. Collection method: clinical testing. Allele origin: germline.
Comment: This missense variant replaces histidine with arginine at codon 13 of the CHEK2 protein. Computational prediction tools and conservation analyses are inconclusive regarding the impact of this variant on the protein function. Functional studies have shown that the variant does not affect catalytic activity or stability of the CHEK2 protein (PMID: 21562711). This variant has been reported in one individual affected with a personal history and family history of breast cancer and adenosarcoma (PMID: 21562711). This variant has not been identified in the general population by the Genome Aggregation Database (gnomAD). Available evidence is insufficient to determine the role of this variant in disease conclusively. Therefore, this variant is classified as a Variant of Uncertain Significance.

Labcorp Genetics (formerly Invitae), Labcorp
Classification: Uncertain significance for Familial cancer of breast. Last evaluated: 2025-04-07. Review status: criteria provided, single submitter. Criteria: Invitae Variant Classification Sherloc (09022015). Collection method: clinical testing. Allele origin: germline.
Comment: This sequence change replaces histidine, which is basic and polar, with arginine, which is basic and polar, at codon 13 of the CHEK2 protein (p.His13Arg). This variant is not present in population databases (gnomAD no frequency). This missense change has been observed in individual(s) with breast cancer and/or sarcoma (PMID: 21562711). ClinVar contains an entry for this variant (Variation ID: 418613). An algorithm developed to predict the effect of missense changes on protein structure and function outputs the following: PolyPhen-2: "Benign". The arginine amino acid residue is found in multiple mammalian species, which suggests that this missense change does not adversely affect protein function. Experimental studies have shown that this missense change does not substantially affect CHEK2 function (PMID: 21562711). In summary, the available evidence is currently insufficient to determine the role of this variant in disease. Therefore, it has been classified as a Variant of Uncertain Significance.

Ambry Genetics
Classification: Likely benign for Hereditary cancer-predisposing syndrome. Last evaluated: 2015-11-25. Review status: criteria provided, single submitter. Criteria: Ambry Variant Classification Scheme 2023. Collection method: clinical testing. Allele origin: germline.

GeneDx
Classification: Uncertain significance. Last evaluated: 2015-03-04. Review status: criteria provided, single submitter. Criteria: GeneDx Variant Classification (06012015). Collection method: clinical testing. Allele origin: germline. Affected: yes.
Comment: This variant is denoted CHEK2 c.38A>G at the cDNA level, p.His13Arg (H13R) at the protein level, and results in the change of a Histidine to an Arginine (CAT>CGT). Although this variant was observed in a patient with bilateral breast cancer and a uterine sarcoma, functional assays demonstrated the resultant protein's properties as comparable to wild-type (Manoukian 2011). CHEK2 His13Arg was not observed in approximately 6,500 individuals of European and African American ancestry in the NHLBI Exome Sequencing Project, indicating it is not a common benign variant in these populations. Since Histidine and Arginine share similar properties, this is considered a conservative amino acid substitution. CHEK2 His13Arg occurs at a position that is conserved across mammals, with Arginine being the naturally occurring amino acid at this position in two species, and is not located in a known functional domain (Desrichard 2011). In silico analyses predict that this variant is unlikely to alter protein structure or function. Based on currently available information, it is unclear whether CHEK2 His13Arg is pathogenic or benign. We consider it to be a variant of uncertain significance.

Literature cited by the submitters: PubMed 21562711 (cited by 3 submitters).

NM_007194.4(CHEK2):c.38A>G (p.His13Arg)

Gene: CHEK2 (checkpoint kinase 2; minus strand). Cytogenetic location: 22q12.1.
Variant type: single nucleotide variant.
Coding change: c.38A>G on transcript NM_007194.4 (MANE Select); coding-DNA position 38, A replaced by G.
Protein change: p.His13Arg; replaces histidine 13 with arginine.
Molecular consequence: missense variant.
Genome position (GRCh38, 1-based): chr22:28,734,684, T>C on the plus strand (A>G on the coding strand, the complement: CHEK2 is on the minus strand). VCF-style: chr22-28734684-T-C. GRCh37 (hg19) VCF-style: chr22-29130672-T-C.
Other names: c.38A>G, p.His13Arg (NM_001005735.3, NM_001349956.3, NM_145862.3); c.-740A>G (NM_001257387.3); short protein forms H13R.
Identifiers: ClinVar variation 418613 (VCV000418613.16), dbSNP rs1064793324, ClinGen allele CA16621085.